The following is an entry in ClinVar:

ClinVar aggregate classification (germline): Uncertain significance (1 of 4 stars; one submission).

Conditions:
NARS1-related disorder. Also called: NARS1-related condition.

Submission:

PreventionGenetics, part of Exact Sciences
Classification: Uncertain significance for NARS1-related condition. Last evaluated: 2022-09-14. Review status: criteria provided, single submitter. Criteria: ACMG Guidelines, 2015. Collection method: clinical testing. Allele origin: germline.
Comment: The NARS1 c.1561G>C variant is predicted to result in the amino acid substitution p.Glu521Gln. To our knowledge, this variant has not been reported in the literature or in a large population database, indicating this variant is rare. At this time, the clinical significance of this variant is uncertain due to the absence of conclusive functional and genetic evidence.

NM_004539.4(NARS1):c.1561G>C (p.Glu521Gln)

Gene: NARS1 (asparaginyl-tRNA synthetase 1; minus strand). Cytogenetic location: 18q21.31.
Variant type: single nucleotide variant.
Coding change: c.1561G>C on transcript NM_004539.4 (MANE Select); coding-DNA position 1561, G replaced by C.
Protein change: p.Glu521Gln; replaces glutamic acid 521 with glutamine.
Molecular consequence: missense variant.
Genome position (GRCh38, 1-based): chr18:57,601,738, C>G on the plus strand (G>C on the coding strand, the complement: NARS1 is on the minus strand). VCF-style: chr18-57601738-C-G. GRCh37 (hg19) VCF-style: chr18-55268970-C-G.
Other names: short protein forms E521Q.
Identifiers: ClinVar variation 2628986 (VCV002628986.1), dbSNP rs2511565396, ClinGen allele CA402542743.